The following is an entry in ClinVar:

NM_182914.3(SYNE2):c.8377G>T (p.Val2793Phe)

Gene: SYNE2 (spectrin repeat containing nuclear envelope protein 2; plus strand). Cytogenetic location: 14q23.2.
Variant type: single nucleotide variant.
Coding change: c.8377G>T on transcript NM_182914.3 (MANE Select); coding-DNA position 8377, G replaced by T.
Protein change: p.Val2793Phe; replaces valine 2793 with phenylalanine.
Molecular consequence: missense variant.
Genome position (GRCh38, 1-based): chr14:64,052,290, G>T. VCF-style: chr14-64052290-G-T. GRCh37 (hg19) VCF-style: chr14-64519008-G-T.
Other names: c.8377G>T, p.Val2793Phe (NM_015180.6); c.8377G>T (NM_182914.2); short protein forms V2793F.
Identifiers: ClinVar variation 1485754 (VCV001485754.9), dbSNP rs747840683, ClinGen allele CA389966347.

ClinVar aggregate classification (germline): Uncertain significance. Review status: criteria provided, multiple submitters, no conflicts (2 of 4 stars). 2 submissions from 2 submitters: Uncertain significance (2). Last evaluated 2025-09-10.

Conditions:
Emery-Dreifuss muscular dystrophy 5, autosomal dominant (EDMD5). Also called: EMERY-DREIFUSS MUSCULAR DYSTROPHY 5. Identifiers: Orphanet 261, MedGen C2751805, MONDO:0013072, OMIM 612999.

gnomAD v4.1: 3 of 1,614,138 alleles (0.00019%); highest among the groups gnomAD compares: African/African-American, 0.0027%; no homozygotes.

Submissions (2):

Ambry Genetics
Classification: Uncertain significance. Last evaluated: 2025-09-10. Review status: criteria provided, single submitter. Criteria: Ambry Variant Classification Scheme 2023. Collection method: clinical testing. Allele origin: germline.

Labcorp Genetics (formerly Invitae), Labcorp
Classification: Uncertain significance for Emery-Dreifuss muscular dystrophy 5, autosomal dominant. Last evaluated: 2024-06-11. Review status: criteria provided, single submitter. Criteria: Invitae Variant Classification Sherloc (09022015). Collection method: clinical testing. Allele origin: germline.
Comment: This sequence change replaces valine, which is neutral and non-polar, with phenylalanine, which is neutral and non-polar, at codon 2793 of the SYNE2 protein (p.Val2793Phe). This variant is not present in population databases (gnomAD no frequency). This variant has not been reported in the literature in individuals affected with SYNE2-related conditions. ClinVar contains an entry for this variant (Variation ID: 1485754). An algorithm developed to predict the effect of missense changes on protein structure and function (PolyPhen-2) suggests that this variant is likely to be tolerated. In summary, the available evidence is currently insufficient to determine the role of this variant in disease. Therefore, it has been classified as a Variant of Uncertain Significance.